The following is an entry in ClinVar:

NM_001918.5(DBT):c.165AAC[1] (p.Thr57del)

Gene: DBT (dihydrolipoamide branched chain transacylase E2; minus strand). Cytogenetic location: 1p21.2.
Variant type: Microsatellite.
Coding change: c.165AAC[1] on transcript NM_001918.5 (MANE Select); one copy of the 3-base unit AAC starting at c.165; the reference has two copies in a row; one copy, 3 bases deleted.
Protein change: p.Thr57del; deletes threonine 57.
Molecular consequence: inframe deletion.
Genome position (GRCh38, 1-based): chr1:100,240,766-100,240,768, GTT deleted on the plus strand (AAC on the coding strand, the reverse complement: DBT is on the minus strand); deleting any 3 consecutive bases within chr1:100,240,766-100,240,771 gives the same sequence; the position shown is the placement nearest the transcript's 3' end. VCF-style (leftmost placement, unchanged base first): chr1-100240765-AGTT-A. GRCh37 (hg19) VCF-style: chr1-100706321-AGTT-A.
Other names: short protein forms T57del.
Identifiers: ClinVar variation 550746 (VCV000550746.6), dbSNP rs771945254, ClinGen allele CA969823.

ClinVar aggregate classification (germline): Uncertain significance. Review status: criteria provided, multiple submitters, no conflicts (2 of 4 stars). 3 submissions from 3 submitters: Uncertain significance (2). 1 of the submissions does not count toward it. Last evaluated 2024-10-25.

Conditions:
Maple syrup urine disease type 1A (MSUD1A). Also called: MSUD type 1A. Identifiers: MedGen C1855369, MONDO:0023691, OMIM 248600.
Maple syrup urine disease (MSUD). Identifiers: Orphanet 511, MedGen C0024776, MeSH D008375, MONDO:0009563. Disease mechanism: loss of function.

Submissions (3):

Labcorp Genetics (formerly Invitae), Labcorp
Classification: Uncertain significance for Maple syrup urine disease. Last evaluated: 2024-10-25. Review status: criteria provided, single submitter. Criteria: Invitae Variant Classification Sherloc (09022015). Collection method: clinical testing. Allele origin: germline.
Comment: This variant, c.168_170del, results in the deletion of 1 amino acid(s) of the DBT protein (p.Thr57del), but otherwise preserves the integrity of the reading frame. This variant is present in population databases (rs771945254, gnomAD 0.06%). This variant has not been reported in the literature in individuals affected with DBT-related conditions. ClinVar contains an entry for this variant (Variation ID: 550746). In summary, the available evidence is currently insufficient to determine the role of this variant in disease. Therefore, it has been classified as a Variant of Uncertain Significance.

Genome-Nilou Lab
Classification: Uncertain significance for Maple syrup urine disease type 1A. Last evaluated: 2023-04-11. Review status: criteria provided, single submitter. Criteria: ACMG Guidelines, 2015. Collection method: clinical testing. Allele origin: germline. Affected: no.

Counsyl
Classification: Uncertain significance for Maple syrup urine disease type 1A. Last evaluated: 2017-02-10. Review status: no assertion criteria provided. Collection method: clinical testing. Allele origin: unknown. Not counted in ClinVar's aggregate classification.